The following is an entry in ClinVar:

NM_001382567.1(STIM1):c.1586G>C (p.Ser529Thr)

Gene: STIM1 (stromal interaction molecule 1; plus strand). Cytogenetic location: 11p15.4.
Variant type: single nucleotide variant.
Coding change: c.1586G>C on transcript NM_001382567.1 (MANE Select); coding-DNA position 1586, G replaced by C.
Protein change: p.Ser529Thr; replaces serine 529 with threonine.
Molecular consequence: missense variant. On other transcripts: non-coding transcript variant (3).
Genome position (GRCh38, 1-based): chr11:4,086,495, G>C. VCF-style: chr11-4086495-G-C. GRCh37 (hg19) VCF-style: chr11-4107725-G-C.
Other names: c.1013G>C, p.Ser338Thr (NM_001382571.1); c.1271G>C, p.Ser424Thr (NM_001382575.1, NM_001382578.1, NM_001382579.1 and 3 more transcripts); c.1004G>C, p.Ser335Thr (NM_001382580.1, NM_001382581.1); c.1493G>C, p.Ser498Thr (NM_003156.4, NM_001277961.3, NM_001277962.2); c.1265G>C, p.Ser422Thr (NM_001382570.1); c.1514G>C, p.Ser505Thr (NM_001382568.1); c.1358G>C, p.Ser453Thr (NM_001382569.1); short protein forms S335T, S498T, S505T, S529T, S338T, S422T, S453T, S424T.
Identifiers: ClinVar variation 2939490 (VCV002939490.3), dbSNP rs964563960, ClinGen allele CA379194819.

ClinVar aggregate classification (germline): Uncertain significance (1 of 4 stars; one submission).

Conditions:
Myopathy with tubular aggregates (TAM). Also called: Tubular Aggregate Myopathy. Identifiers: Orphanet 2593, MedGen C0410207, MONDO:0008051.
Stormorken syndrome (STRMK). Also called: THROMBOCYTOPATHY, ASPLENIA, AND MIOSIS. Identifiers: Orphanet 3204, MedGen C1861451, MONDO:0008497, OMIM 185070.
Combined immunodeficiency due to STIM1 deficiency. Also called: STIM1 DEFICIENCY; IMMUNODEFICIENCY 10. Identifiers: Orphanet 169090, Orphanet 317430, MedGen C2748557, MONDO:0013008, OMIM 612783.

Submission:

Labcorp Genetics (formerly Invitae), Labcorp
Classification: Uncertain significance for Myopathy with tubular aggregates; Combined immunodeficiency due to STIM1 deficiency; Stormorken syndrome. Last evaluated: 2023-03-08. Review status: criteria provided, single submitter. Criteria: Invitae Variant Classification Sherloc (09022015). Collection method: clinical testing. Allele origin: germline.
Comment: In summary, the available evidence is currently insufficient to determine the role of this variant in disease. Therefore, it has been classified as a Variant of Uncertain Significance. Advanced modeling of protein sequence and biophysical properties (such as structural, functional, and spatial information, amino acid conservation, physicochemical variation, residue mobility, and thermodynamic stability) has been performed at Invitae for this missense variant, however the output from this modeling did not meet the statistical confidence thresholds required to predict the impact of this variant on STIM1 protein function. This variant has not been reported in the literature in individuals affected with STIM1-related conditions. This variant is not present in population databases (gnomAD no frequency). This sequence change replaces serine, which is neutral and polar, with threonine, which is neutral and polar, at codon 498 of the STIM1 protein (p.Ser498Thr).